The following is an entry in ClinVar:

ClinVar aggregate classification (germline): Uncertain significance. Review status: criteria provided, multiple submitters, no conflicts (2 of 4 stars). 2 submissions from 2 submitters: Uncertain significance (2). Last evaluated 2025-04-18.

Conditions:
Hereditary cancer-predisposing syndrome. Also called: Neoplastic Syndromes, Hereditary; Tumor predisposition; Hereditary neoplastic syndrome; Hereditary Cancer Syndrome. Identifiers: Orphanet 140162, MedGen C0027672, MeSH D009386, MONDO:0015356.
Familial cancer of breast. Also called: BREAST CANCER, FAMILIAL; hereditary breast carcinoma; Hereditary breast cancer. Identifiers: Orphanet 227535, MedGen C0346153, MONDO:0016419, OMIM 114480. Disease mechanism: loss of function.
Fanconi anemia complementation group J. Also called: BRIP1-Related Fanconi Anemia. Identifiers: Orphanet 84, MedGen C1836860, MONDO:0012187, OMIM 609054.

Submissions (2):

Ambry Genetics
Classification: Uncertain significance for Hereditary cancer-predisposing syndrome. Last evaluated: 2025-04-18. Review status: criteria provided, single submitter. Criteria: Ambry Variant Classification Scheme 2023. Collection method: clinical testing. Allele origin: germline.
Comment: The p.V972L variant (also known as c.2914G>C), located in coding exon 19 of the BRIP1 gene, results from a G to C substitution at nucleotide position 2914. The valine at codon 972 is replaced by leucine, an amino acid with highly similar properties. This amino acid position is not well conserved in available vertebrate species. In addition, this alteration is predicted to be tolerated by in silico analysis. Since supporting evidence is limited at this time, the clinical significance of this alteration remains unclear.

Labcorp Genetics (formerly Invitae), Labcorp
Classification: Uncertain significance for Familial cancer of breast; Fanconi anemia complementation group J. Last evaluated: 2024-03-16. Review status: criteria provided, single submitter. Criteria: Invitae Variant Classification Sherloc (09022015). Collection method: clinical testing. Allele origin: germline.
Comment: This sequence change replaces valine, which is neutral and non-polar, with leucine, which is neutral and non-polar, at codon 972 of the BRIP1 protein (p.Val972Leu). This variant is not present in population databases (gnomAD no frequency). This variant has not been reported in the literature in individuals affected with BRIP1-related conditions. ClinVar contains an entry for this variant (Variation ID: 1797613). Algorithms developed to predict the effect of missense changes on protein structure and function output the following: SIFT: "Not Available"; PolyPhen-2: "Benign"; Align-GVGD: "Not Available". The leucine amino acid residue is found in multiple mammalian species, which suggests that this missense change does not adversely affect protein function. In summary, the available evidence is currently insufficient to determine the role of this variant in disease. Therefore, it has been classified as a Variant of Uncertain Significance.

NM_032043.3(BRIP1):c.2914G>C (p.Val972Leu)

Gene: BRIP1 (BRCA1 interacting DNA helicase 1; minus strand). Cytogenetic location: 17q23.2.
Variant type: single nucleotide variant.
Coding change: c.2914G>C on transcript NM_032043.3 (MANE Select); coding-DNA position 2914, G replaced by C.
Protein change: p.Val972Leu; replaces valine 972 with leucine.
Molecular consequence: missense variant.
Genome position (GRCh38, 1-based): chr17:61,684,132, C>G on the plus strand (G>C on the coding strand, the complement: BRIP1 is on the minus strand). VCF-style: chr17-61684132-C-G. GRCh37 (hg19) VCF-style: chr17-59761493-C-G.
Other names: short protein forms V972L.
Identifiers: ClinVar variation 1797613 (VCV001797613.8), dbSNP rs786203224, ClinGen allele CA400480755.
Genomic context (GRCh38, chr17:61,684,132, plus strand): 5'-TTGGGCTTGTGGATCTGGAAATCACAATTTTTTCTGCTTTCCCTGCTTCTTCCAGGAATA[C>G]TGGATCATCTAAGAATACAAGAATTTAAGAGATTTAACTTTCTGCTCCTAGCTAACATAA-3'
Protein context (NP_114432.2, residues 962-982): IISRKEKNDP[Val972Leu]FLEEAGKAEK